The following is an entry in ClinVar:

NM_000260.4(MYO7A):c.1555-1G>A

Gene: MYO7A (myosin VIIA; plus strand). Cytogenetic location: 11q13.5.
Variant type: single nucleotide variant.
Coding change: c.1555-1G>A on transcript NM_000260.4 (MANE Select); the canonical splice acceptor site of the intron before coding-DNA position 1555, G replaced by A.
Molecular consequence: splice acceptor variant.
Genome position (GRCh38, 1-based): chr11:77,162,852, G>A. VCF-style: chr11-77162852-G-A. GRCh37 (hg19) VCF-style: chr11-76873898-G-A.
Other names: c.1522-1G>A (NM_001369365.1); c.1555-1G>A (NM_001127180.2).
Identifiers: ClinVar variation 1465325 (VCV001465325.8), dbSNP rs2135310334, ClinGen allele CA381935909.

ClinVar aggregate classification (germline): Pathogenic (1 of 4 stars; one submission).

Submission:

Labcorp Genetics (formerly Invitae), Labcorp
Classification: Pathogenic. Last evaluated: 2022-10-28. Review status: criteria provided, single submitter. Criteria: Invitae Variant Classification Sherloc (09022015). Collection method: clinical testing. Allele origin: germline.
Comment: This sequence change affects an acceptor splice site in intron 13 of the MYO7A gene. It is expected to disrupt RNA splicing. Variants that disrupt the donor or acceptor splice site typically lead to a loss of protein function (PMID: 16199547), and loss-of-function variants in MYO7A are known to be pathogenic (PMID: 8900236, 25404053). This variant is not present in population databases (gnomAD no frequency). Disruption of this splice site has been observed in individual(s) with autosomal recessive MYO7A-related conditions (PMID: 10930322; Invitae). In at least one individual the data is consistent with being in trans (on the opposite chromosome) from a pathogenic variant. ClinVar contains an entry for this variant (Variation ID: 1465325). Algorithms developed to predict the effect of sequence changes on RNA splicing suggest that this variant may disrupt the consensus splice site. For these reasons, this variant has been classified as Pathogenic.

Literature cited by the submitters: PubMed 16199547; PubMed 8900236; PubMed 25404053; PubMed 10930322.